The following is an entry in ClinVar:

NM_001267550.2(TTN):c.103637G>T (p.Arg34546Leu)

Genes: TTN (titin; minus strand), TTN-AS1 (TTN antisense RNA 1; plus strand). Cytogenetic location: 2q31.2.
Variant type: single nucleotide variant.
Coding change: c.103637G>T on transcript NM_001267550.2 (MANE Select); coding-DNA position 103637, G replaced by T.
Protein change: p.Arg34546Leu; replaces arginine 34546 with leucine.
Molecular consequence: missense variant.
Genome position (GRCh38, 1-based): chr2:178,532,978, C>A on the plus strand (G>T on the coding strand, the complement: TTN is on the minus strand). VCF-style: chr2-178532978-C-A. GRCh37 (hg19) VCF-style: chr2-179397705-C-A.
Other names: c.98714G>T, p.Arg32905Leu (NM_001256850.1); c.76442G>T, p.Arg25481Leu (NM_003319.4); c.95933G>T, p.Arg31978Leu (NM_133378.4); c.76817G>T, p.Arg25606Leu (NM_133432.3); c.77018G>T, p.Arg25673Leu (NM_133437.4); short protein forms R25481L, R25673L, R31978L, R32905L, R25606L, R34546L.
Identifiers: ClinVar variation 4791212 (VCV004791212.1).

ClinVar aggregate classification (germline): Uncertain significance (1 of 4 stars; one submission).

Conditions:
Autosomal recessive limb-girdle muscular dystrophy type 2J (LGMDR10). Also called: Limb-girdle muscular dystrophy, type 2J; MUSCULAR DYSTROPHY, LIMB-GIRDLE, AUTOSOMAL RECESSIVE 10. Identifiers: Orphanet 140922, MedGen C1837342, MONDO:0012127, OMIM 608807.
Dilated cardiomyopathy 1G (CMD1G). Identifiers: Orphanet 154, MedGen C1858763, MONDO:0011400, OMIM 604145.

Submission:

Labcorp Genetics (formerly Invitae), Labcorp
Classification: Uncertain significance for Dilated cardiomyopathy 1G; Autosomal recessive limb-girdle muscular dystrophy type 2J. Last evaluated: 2025-09-23. Review status: criteria provided, single submitter. Criteria: Invitae Variant Classification Sherloc (09022015). Collection method: clinical testing. Allele origin: germline.
Comment: This sequence change replaces arginine, which is basic and polar, with leucine, which is neutral and non-polar, at codon 34546 of the TTN protein (p.Arg34546Leu). This variant is not present in population databases (gnomAD no frequency). This variant has not been reported in the literature in individuals affected with TTN-related conditions. Experimental studies and prediction algorithms are not available or were not evaluated, and the functional significance of this variant is currently unknown. This variant is located in the M band of TTN (PMID: 25589632). Non-truncating variants in this region may be relevant for neuromuscular disorders, but have not been definitively shown to cause cardiomyopathy (PMID: 23975875). In summary, the available evidence is currently insufficient to determine the role of this variant in disease. Therefore, it has been classified as a Variant of Uncertain Significance.

Literature cited by the submitters: PubMed 25589632; PubMed 23975875.